The following is an entry in ClinVar:

NM_000234.3(LIG1):c.370+20_370+27del

Gene: LIG1 (DNA ligase 1; minus strand). Cytogenetic location: 19q13.33.
Variant type: Deletion.
Coding change: c.370+20_370+27del on transcript NM_000234.3 (MANE Select); bases 20 to 27 of the intron after coding-DNA position 370, 8 bases deleted (TGCCCCTT; older notation c.370+20_370+27delTGCCCCTT).
Molecular consequence: intron variant.
Genome position (GRCh38, 1-based): chr19:48,156,987-48,156,994, AAGGGGCA deleted on the plus strand (TGCCCCTT on the coding strand, the reverse complement: LIG1 is on the minus strand). VCF-style (leftmost placement, unchanged base first): chr19-48156986-GAAGGGGCA-G. GRCh37 (hg19) VCF-style: chr19-48660243-GAAGGGGCA-G.
Other names: c.280+20_280+27del (NM_001289063.2, NM_001320971.2); c.370+20_370+27del (NM_001289064.2, NM_001320970.2).
Identifiers: ClinVar variation 1166926 (VCV001166926.12), dbSNP rs3730867, ClinGen allele CA9547324.

ClinVar aggregate classification (germline): Benign. Review status: criteria provided, multiple submitters, no conflicts (2 of 4 stars). 2 submissions from 2 submitters: Benign (2). Last evaluated 2026-02-04.

Allele frequency attached by ClinVar (database versions not stated): 1000 Genomes Project 30x 0.50250; 1000 Genomes Project 0.51038; ESP Exome Variant Server 0.43779; gnomAD exomes 0.46269 and 0.47679; gnomAD 0.46965 and 0.47134; ExAC 0.47599.

Submissions (2):

Labcorp Genetics (formerly Invitae), Labcorp
Classification: Benign. Last evaluated: 2026-02-04. Review status: criteria provided, single submitter. Criteria: Invitae Variant Classification Sherloc (09022015). Collection method: clinical testing. Allele origin: germline.

Unidad de Genómica Garrahan, Hospital de Pediatría Garrahan
Classification: Benign. Last evaluated: 2023-11-12. Review status: criteria provided, single submitter. Criteria: ACMG Guidelines, 2015. Collection method: clinical testing. Allele origin: germline. Affected: no. Observed: 45 variant alleles.
Comment: This variant is classified as Benign based on local population frequency. This variant was detected in 47% of patients studied by a panel of primary immunodeficiencies. Number of patients: 45. Only high quality variants are reported.